The following is an entry in ClinVar:

ClinVar aggregate classification (germline): Uncertain significance. Review status: criteria provided, multiple submitters, no conflicts (2 of 4 stars). 2 submissions from 2 submitters: Uncertain significance (2). Last evaluated 2025-05-01.

Allele frequency attached by ClinVar (database versions not stated): gnomAD exomes below 0.00001; TOPMed below 0.00001; gnomAD 0.00001.
gnomAD v4.1: 4 of 1,613,354 alleles (0.00025%); highest among the groups gnomAD compares: South Asian, 0.0011%; no homozygotes.

Submissions (2):

Ambry Genetics
Classification: Uncertain significance. Last evaluated: 2025-05-01. Review status: criteria provided, single submitter. Criteria: Ambry Variant Classification Scheme 2023. Collection method: clinical testing. Allele origin: germline.

Labcorp Genetics (formerly Invitae), Labcorp
Classification: Uncertain significance. Last evaluated: 2024-01-04. Review status: criteria provided, single submitter. Criteria: Invitae Variant Classification Sherloc (09022015). Collection method: clinical testing. Allele origin: germline.
Comment: This sequence change replaces isoleucine, which is neutral and non-polar, with threonine, which is neutral and polar, at codon 84 of the MYLK3 protein (p.Ile84Thr). This variant is present in population databases (no rsID available, gnomAD 0.0009%). This variant has not been reported in the literature in individuals affected with MYLK3-related conditions. An algorithm developed to predict the effect of missense changes on protein structure and function (PolyPhen-2) suggests that this variant is likely to be tolerated. In summary, the available evidence is currently insufficient to determine the role of this variant in disease. Therefore, it has been classified as a Variant of Uncertain Significance.

NM_182493.3(MYLK3):c.251T>C (p.Ile84Thr)

Gene: MYLK3 (myosin light chain kinase 3; minus strand). Cytogenetic location: 16q11.2.
Variant type: single nucleotide variant.
Coding change: c.251T>C on transcript NM_182493.3 (MANE Select); coding-DNA position 251, T replaced by C.
Protein change: p.Ile84Thr; replaces isoleucine 84 with threonine.
Molecular consequence: missense variant. On other transcripts: intron variant (1).
Genome position (GRCh38, 1-based): chr16:46,747,943, A>G on the plus strand (T>C on the coding strand, the complement: MYLK3 is on the minus strand). VCF-style: chr16-46747943-A-G. GRCh37 (hg19) VCF-style: chr16-46781855-A-G.
Other names: c.251T>C (NM_182493.2); c.-113-7796T>C (NM_001308301.1); short protein forms I84T.
Identifiers: ClinVar variation 3010846 (VCV003010846.4), dbSNP rs898051564, ClinGen allele CA280241407.